The following is an entry in ClinVar:

NM_018417.6(ADCY10):c.2102A>G (p.Gln701Arg)

Gene: ADCY10 (adenylate cyclase 10; minus strand). Cytogenetic location: 1q24.2.
Variant type: single nucleotide variant.
Coding change: c.2102A>G on transcript NM_018417.6 (MANE Select); coding-DNA position 2102, A replaced by G.
Protein change: p.Gln701Arg; replaces glutamine 701 with arginine.
Molecular consequence: missense variant.
Genome position (GRCh38, 1-based): chr1:167,856,234, T>C on the plus strand (A>G on the coding strand, the complement: ADCY10 is on the minus strand). VCF-style: chr1-167856234-T-C. GRCh37 (hg19) VCF-style: chr1-167825472-T-C.
Other names: c.1643A>G, p.Gln548Arg (NM_001167749.3); c.1826A>G, p.Gln609Arg (NM_001297772.2); short protein forms Q609R, Q701R, Q548R.
Identifiers: ClinVar variation 1034576 (VCV001034576.5), dbSNP rs1243130529, ClinGen allele CA343088458.

ClinVar aggregate classification (germline): Uncertain significance (1 of 4 stars; one submission).

Allele frequency attached by ClinVar (database versions not stated): gnomAD exomes below 0.00001 and 0.00001; TOPMed below 0.00001.
gnomAD v4.1: 3 of 1,613,880 alleles (0.00019%); highest among the groups gnomAD compares: Admixed American, 0.005%; no homozygotes.

Submission:

Labcorp Genetics (formerly Invitae), Labcorp
Classification: Uncertain significance. Last evaluated: 2020-10-02. Review status: criteria provided, single submitter. Criteria: Invitae Variant Classification Sherloc (09022015). Collection method: clinical testing. Allele origin: germline.
Comment: This sequence change replaces glutamine with arginine at codon 701 of the ADCY10 protein (p.Gln701Arg). The glutamine residue is moderately conserved and there is a small physicochemical difference between glutamine and arginine. This variant is not present in population databases (ExAC no frequency). This variant has not been reported in the literature in individuals with ADCY10-related conditions. Algorithms developed to predict the effect of missense changes on protein structure and function (SIFT, PolyPhen-2, Align-GVGD) all suggest that this variant is likely to be tolerated, but these predictions have not been confirmed by published functional studies and their clinical significance is uncertain. In summary, the available evidence is currently insufficient to determine the role of this variant in disease. Therefore, it has been classified as a Variant of Uncertain Significance.